The following is an entry in ClinVar:

ClinVar aggregate classification (germline): Pathogenic (1 of 4 stars; one submission).

Conditions:
Spermatogenic failure 18. Identifiers: MedGen C4539783, MONDO:0054615, OMIM 617576.
Ciliary dyskinesia, primary, 37 (CILD37). Also called: CILIARY DYSKINESIA, PRIMARY, 37, WITH OR WITHOUT SITUS INVERSUS. Identifiers: MedGen C4539798, MONDO:0033204, OMIM 617577.

Submission:

Labcorp Genetics (formerly Invitae), Labcorp
Classification: Pathogenic for Ciliary dyskinesia, primary, 37; Spermatogenic failure 18. Last evaluated: 2025-05-02. Review status: criteria provided, single submitter. Criteria: Invitae Variant Classification Sherloc (09022015). Collection method: clinical testing. Allele origin: germline.
Comment: This sequence change creates a premature translational stop signal (p.Ala1047Leufs*23) in the DNAH1 gene. It is expected to result in an absent or disrupted protein product. Loss-of-function variants in DNAH1 are known to be pathogenic (PMID: 27573432, 27798045). This variant is not present in population databases (gnomAD no frequency). This variant has not been reported in the literature in individuals affected with DNAH1-related conditions. For these reasons, this variant has been classified as Pathogenic.

Literature cited by the submitters: PubMed 27573432; PubMed 27798045.

NM_015512.5(DNAH1):c.3137_3138dup (p.Ala1047fs)

Gene: DNAH1 (dynein axonemal heavy chain 1; plus strand). Cytogenetic location: 3p21.1.
Variant type: Microsatellite.
Coding change: c.3137_3138dup on transcript NM_015512.5 (MANE Select); coding-DNA positions 3137 to 3138, 2 bases duplicated (CT; older notation c.3137_3138dupCT).
Protein change: p.Ala1047fs; shifts the reading frame from alanine 1047.
Molecular consequence: frameshift variant.
Genome position (GRCh38, 1-based): chr3:52,353,212-52,353,213, CT duplicated; duplicating any 2 consecutive bases within chr3:52,353,208-52,353,213 gives the same sequence; the c. name uses the placement nearest the transcript's 3' end. VCF-style (leftmost placement, unchanged base first): chr3-52353207-C-CCT. GRCh37 (hg19) VCF-style: chr3-52387223-C-CCT.
Other names: short protein forms A1047fs.
Identifiers: ClinVar variation 4794218 (VCV004794218.1).